The following is an entry in ClinVar:

ClinVar aggregate classification (germline): Conflicting classifications of pathogenicity. Review status: criteria provided, conflicting classifications (1 of 4 stars). 4 submissions from 4 submitters: Uncertain significance (2); Likely benign (1). 1 of the submissions does not count toward it. Last evaluated 2025-05-29.

Conditions:
Familial aortic aneurysms.
Aortic aneurysm, familial thoracic 7 (AAT7). Also called: AORTIC DISSECTION, FAMILIAL, WITH OR WITHOUT AORTIC ANEURYSM. Identifiers: MedGen C3151077, MONDO:0013418, OMIM 613780.

Allele frequency attached by ClinVar (database versions not stated): TOPMed 0.00002.
gnomAD v4.1: 66 of 1,613,858 alleles (0.0041%); highest among the groups gnomAD compares: Middle Eastern, 0.049%; no homozygotes.

Submissions (4):

GeneDx
Classification: Uncertain significance. Last evaluated: 2025-05-29. Review status: criteria provided, single submitter. Criteria: GeneDx Variant Classification Process June 2021. Collection method: clinical testing. Allele origin: germline. Affected: yes.
Comment: Identified in a patient with sporadic abdominal aortic aneurysm, who also harbored a variant of uncertain significance in the FBN1 gene (PMID: 26017485); In silico analysis suggests that this missense variant does not alter protein structure/function; This variant is associated with the following publications: (PMID: 26017485)

Labcorp Genetics (formerly Invitae), Labcorp
Classification: Uncertain significance for Aortic aneurysm, familial thoracic 7. Last evaluated: 2025-01-01. Review status: criteria provided, single submitter. Criteria: Invitae Variant Classification Sherloc (09022015). Collection method: clinical testing. Allele origin: germline.
Comment: This sequence change replaces alanine, which is neutral and non-polar, with serine, which is neutral and polar, at codon 1062 of the MYLK protein (p.Ala1062Ser). This variant is present in population databases (rs11558550, gnomAD 0.02%). This missense change has been observed in individual(s) with aortic aneurysm (PMID: 26017485). ClinVar contains an entry for this variant (Variation ID: 375866). Invitae Evidence Modeling of protein sequence and biophysical properties (such as structural, functional, and spatial information, amino acid conservation, physicochemical variation, residue mobility, and thermodynamic stability) indicates that this missense variant is not expected to disrupt MYLK protein function with a negative predictive value of 95%. In summary, the available evidence is currently insufficient to determine the role of this variant in disease. Therefore, it has been classified as a Variant of Uncertain Significance.

Illumina Laboratory Services, Illumina
Classification: Likely benign for Aortic aneurysm, familial thoracic 7. Last evaluated: 2017-04-27. Review status: criteria provided, single submitter. Criteria: ICSL Variant Classification Criteria 13 December 2019. Collection method: clinical testing. Allele origin: germline.
Comment: This variant was observed as part of a predisposition screen in an ostensibly healthy population. A literature search was performed for the gene, cDNA change, and amino acid change (where applicable). Publications were found based on this search. The evidence from the literature, in combination with allele frequency data from public databases where available, was sufficient to determine this variant is unlikely to cause disease. Therefore, this variant is classified as likely benign.

CSER _CC_NCGL, University of Washington
Classification: Uncertain significance for Familial aortic aneurysms. Last evaluated: 2016-08-01. Review status: no assertion criteria provided. Collection method: research. Allele origin: germline. Inheritance: Autosomal dominant inheritance. Study: CSER - NEXT Medicine variant annotation. Not counted in ClinVar's aggregate classification.

Literature cited by the submitters: PubMed 26017485 (cited by Labcorp Genetics (formerly Invitae), Labcorp and Illumina Laboratory Services, Illumina).

NM_053025.4(MYLK):c.3184G>T (p.Ala1062Ser)

Gene: MYLK (myosin light chain kinase; minus strand). Cytogenetic location: 3q21.1.
Variant type: single nucleotide variant.
Coding change: c.3184G>T on transcript NM_053025.4 (MANE Select); coding-DNA position 3184, G replaced by T.
Protein change: p.Ala1062Ser; replaces alanine 1062 with serine.
Molecular consequence: missense variant.
Genome position (GRCh38, 1-based): chr3:123,700,284, C>A on the plus strand (G>T on the coding strand, the complement: MYLK is on the minus strand). VCF-style: chr3-123700284-C-A. GRCh37 (hg19) VCF-style: chr3-123419131-C-A.
Other names: c.2656G>T, p.Ala886Ser (NM_001321309.2); c.2977G>T, p.Ala993Ser (NM_053026.4, NM_053028.4); c.3184G>T, p.Ala1062Ser (NM_053027.4); short protein forms A1062S, A886S, A993S.
Identifiers: ClinVar variation 375866 (VCV000375866.18), dbSNP rs11558550, ClinGen allele CA069429.